The following is an entry in ClinVar:

NM_000465.4(BARD1):c.1580G>C (p.Gly527Ala)

Gene: BARD1 (BRCA1 associated RING domain 1; minus strand). Cytogenetic location: 2q35.
Variant type: single nucleotide variant.
Coding change: c.1580G>C on transcript NM_000465.4 (MANE Select); coding-DNA position 1580, G replaced by C.
Protein change: p.Gly527Ala; replaces glycine 527 with alanine.
Molecular consequence: missense variant. On other transcripts: non-coding transcript variant (3), intron variant (1).
Genome position (GRCh38, 1-based): chr2:214,752,544, C>G on the plus strand (G>C on the coding strand, the complement: BARD1 is on the minus strand). VCF-style: chr2-214752544-C-G. GRCh37 (hg19) VCF-style: chr2-215617268-C-G.
Other names: c.1523G>C, p.Gly508Ala (NM_001282543.2); c.227G>C, p.Gly76Ala (NM_001282545.2); c.170G>C, p.Gly57Ala (NM_001282548.2); c.365-22036G>C (NM_001282549.2); short protein forms G527A, G57A, G76A, G508A.
Identifiers: ClinVar variation 141119 (VCV000141119.4), dbSNP rs587781507, ClinGen allele CA164521.
Genomic context (GRCh38, chr2:214,752,544, plus strand): 5'-TCTGGTAGCAGCAATAGCGATTTCATACTTTCATCATCTGTATAATCGACAGGCCGCAGA[C>G]CAAATATATTACTGGTAAAATAAGTGCAGATGTGTTTAAGTAAGTCAAATGTGTGACTCG-3'
Protein context (NP_000456.2, residues 517-537): GASRNAVNIF[Gly527Ala]LRPVDYTDDE

ClinVar aggregate classification (germline): Uncertain significance (1 of 4 stars; one submission).

Conditions:
Hereditary cancer-predisposing syndrome. Also called: Neoplastic Syndromes, Hereditary; Tumor predisposition; Hereditary Cancer Syndrome; Hereditary neoplastic syndrome. Identifiers: Orphanet 140162, MedGen C0027672, MeSH D009386, MONDO:0015356.

Submission:

Ambry Genetics
Classification: Uncertain significance for Hereditary cancer-predisposing syndrome. Last evaluated: 2024-03-28. Review status: criteria provided, single submitter. Criteria: Ambry Variant Classification Scheme 2023. Collection method: clinical testing. Allele origin: germline.
Comment: The p.G527A variant (also known as c.1580G>C), located in coding exon 7 of the BARD1 gene, results from a G to C substitution at nucleotide position 1580. The glycine at codon 527 is replaced by alanine, an amino acid with similar properties. This amino acid position is highly conserved in available vertebrate species. In addition, this alteration is predicted to be deleterious by in silico analysis. Based on the available evidence, the clinical significance of this alteration remains unclear.